The following is an entry in ClinVar:

NM_007254.4(PNKP):c.789_801del (p.Gly264fs)

Gene: PNKP (polynucleotide kinase 3'-phosphatase; minus strand). Cytogenetic location: 19q13.33.
Variant type: Deletion.
Coding change: c.789_801del on transcript NM_007254.4 (MANE Select); coding-DNA positions 789 to 801, 13 bases deleted (GGGCATGTGGGAC).
Protein change: p.Gly264fs; shifts the reading frame from glycine 264.
Molecular consequence: frameshift variant.
Genome position (GRCh38, 1-based): chr19:49,863,704-49,863,716, GTCCCACATGCCC deleted on the plus strand (GGGCATGTGGGAC on the coding strand, the reverse complement: PNKP is on the minus strand); deleting any 13 consecutive bases within chr19:49,863,704-49,863,719 gives the same sequence; the c. name uses the placement nearest the transcript's 3' end. VCF-style (leftmost placement, unchanged base first): chr19-49863703-GGTCCCACATGCCC-G. GRCh37 (hg19) VCF-style: chr19-50366960-GGTCCCACATGCCC-G.
Other names: c.789_801del13 (NM_007254.4); short protein forms G264fs.
Identifiers: ClinVar variation 3069066 (VCV003069066.2), dbSNP rs1212228078, ClinGen allele CA633651046.

ClinVar aggregate classification (germline): Pathogenic (1 of 4 stars; one submission).

Conditions:
PNKP-related disorder. Also called: PNKP-related condition; PNKP-related disorders.

Submission:

Women's Health and Genetics/Laboratory Corporation of America, LabCorp
Classification: Pathogenic for PNKP-Related Disorders. Last evaluated: 2024-02-02. Review status: criteria provided, single submitter. Criteria: LabCorp Variant Classification Summary - May 2015. Collection method: clinical testing. Allele origin: germline.
Comment: Variant summary: PNKP c.789_801del13 (p.Gly264IlefsX94) results in a premature termination codon, predicted to cause absence of the protein due to nonsense mediated decay, which is a commonly known mechanism for disease. The variant allele was found at a frequency of 1.4e-06 in 1403232 control chromosomes (gnomAD v4). To our knowledge, no occurrence of c.789_801del13 in individuals affected with PNKP-Related Disorders and no experimental evidence demonstrating its impact on protein function have been reported. No submitters have cited clinical-significance assessments for this variant to ClinVar. Based on the evidence outlined above, the variant was classified as pathogenic.